The following is an entry in ClinVar:

NM_001377229.1(DISP1):c.3016A>G (p.Ile1006Val)

Gene: DISP1 (dispatched RND transporter family member 1; plus strand). Cytogenetic location: 1q41.
Variant type: single nucleotide variant.
Coding change: c.3016A>G on transcript NM_001377229.1 (MANE Select); coding-DNA position 3016, A replaced by G.
Protein change: p.Ile1006Val; replaces isoleucine 1006 with valine.
Molecular consequence: missense variant.
Genome position (GRCh38, 1-based): chr1:223,004,413, A>G. VCF-style: chr1-223004413-A-G. GRCh37 (hg19) VCF-style: chr1-223177755-A-G.
Other names: c.2287A>G, p.Ile763Val (NM_001350630.2); c.3016A>G, p.Ile1006Val (NM_001369594.1, NM_001377228.1, NM_032890.5); short protein forms I1006V, I763V.
Identifiers: ClinVar variation 2353968 (VCV002353968.5), dbSNP rs1679726949, ClinGen allele CA344684569.

ClinVar aggregate classification (germline): Conflicting classifications of pathogenicity. Review status: criteria provided, conflicting classifications (1 of 4 stars). 3 submissions from 3 submitters: Uncertain significance (1); Likely benign (1). 1 of the submissions does not count toward it. Last evaluated 2024-09-19.

Conditions:
DISP1-related disorder. Also called: DISP1-related condition.

Allele frequency attached by ClinVar (database versions not stated): gnomAD 0.00001; gnomAD exomes 0.00001.
gnomAD v4.1: 14 of 1,614,104 alleles (0.00087%); highest among the groups gnomAD compares: Middle Eastern, 0.033%; no homozygotes.

Submissions (3):

Labcorp Genetics (formerly Invitae), Labcorp
Classification: Uncertain significance. Last evaluated: 2024-09-19. Review status: criteria provided, single submitter. Criteria: Invitae Variant Classification Sherloc (09022015). Collection method: clinical testing. Allele origin: germline.
Comment: This sequence change replaces isoleucine, which is neutral and non-polar, with valine, which is neutral and non-polar, at codon 1006 of the DISP1 protein (p.Ile1006Val). This variant is not present in population databases (gnomAD no frequency). This variant has not been reported in the literature in individuals affected with DISP1-related conditions. ClinVar contains an entry for this variant (Variation ID: 2353968). An algorithm developed to predict the effect of missense changes on protein structure and function outputs the following: PolyPhen-2: "Benign". The valine amino acid residue is found in multiple mammalian species, which suggests that this missense change does not adversely affect protein function. In summary, the available evidence is currently insufficient to determine the role of this variant in disease. Therefore, it has been classified as a Variant of Uncertain Significance.

Ambry Genetics
Classification: Likely benign. Last evaluated: 2021-07-13. Review status: criteria provided, single submitter. Criteria: Ambry Variant Classification Scheme 2023. Collection method: clinical testing. Allele origin: germline.

PreventionGenetics, part of Exact Sciences
Classification: Uncertain significance for DISP1-related condition. Last evaluated: 2024-07-16. Review status: no assertion criteria provided. Collection method: clinical testing. Allele origin: germline. Not counted in ClinVar's aggregate classification.
Comment: The DISP1 c.3016A>G variant is predicted to result in the amino acid substitution p.Ile1006Val. To our knowledge, this variant has not been reported in the literature or in a large population database, indicating this variant is rare. At this time, the clinical significance of this variant is uncertain due to the absence of conclusive functional and genetic evidence.